The following is an entry in ClinVar:

NM_006267.5(RANBP2):c.821G>A (p.Gly274Glu)

Gene: RANBP2 (RAN binding protein 2; plus strand). Cytogenetic location: 2q13.
Variant type: single nucleotide variant.
Coding change: c.821G>A on transcript NM_006267.5 (MANE Select); coding-DNA position 821, G replaced by A.
Protein change: p.Gly274Glu; replaces glycine 274 with glutamic acid.
Molecular consequence: missense variant.
Genome position (GRCh38, 1-based): chr2:108,740,527, G>A. VCF-style: chr2-108740527-G-A. GRCh37 (hg19) VCF-style: chr2-109356983-G-A.
Other names: c.821G>A, p.Gly274Glu (NM_001415871.1, NM_001415873.1); c.818G>A, p.Gly273Glu (NM_001415872.1); short protein forms G273E, G274E.
Identifiers: ClinVar variation 3364266 (VCV003364266.2).

ClinVar aggregate classification (germline): Uncertain significance (1 of 4 stars; one submission).

Submission:

GeneDx
Classification: Uncertain significance. Last evaluated: 2025-05-12. Review status: criteria provided, single submitter. Criteria: GeneDx Variant Classification Process June 2021. Collection method: clinical testing. Allele origin: germline.
Comment: Not observed at significant frequency in large population cohorts (gnomAD); In silico analysis supports that this missense variant has a deleterious effect on protein structure/function; Has not been previously published as pathogenic or benign to our knowledge